The following is an entry in ClinVar:

ClinVar aggregate classification (germline): Uncertain significance (1 of 4 stars; one submission).

Conditions:
Cardiomyopathy (CMYO). Also called: Cardiomyopathies. Identifiers: Orphanet 167848, MedGen C0878544, MONDO:0004994, HP:0001638. Inheritance: Various modes of inheritance.

Submission:

Color Diagnostics, LLC DBA Color Health
Classification: Uncertain significance for Cardiomyopathy. Last evaluated: 2025-08-11. Review status: criteria provided, single submitter. Criteria: ACMG Guidelines, 2015. Collection method: clinical testing. Allele origin: germline.
Comment: This variant results in the in-frame deletion of two amino acids at codons 258 and 259 of the PKP2 protein. To our knowledge, functional studies have not been reported for this variant. This variant has not been reported in individuals affected with PKP2-related disorders in the literature. This variant has not been identified in the general population by the Genome Aggregation Database (gnomAD). The available evidence is insufficient to determine the role of this variant in disease conclusively. Therefore, this variant is classified as a Variant of Uncertain Significance.

NM_001005242.3(PKP2):c.768GGAGAA[1] (p.Lys258_Glu259del)

Gene: PKP2 (plakophilin 2; minus strand). Cytogenetic location: 12p11.21.
Variant type: Microsatellite.
Coding change: c.768GGAGAA[1] on transcript NM_001005242.3 (MANE Select); one copy of the 6-base unit GGAGAA starting at c.768; the reference has two copies in a row; one copy, 6 bases deleted.
Protein change: p.Lys258_Glu259del.
Genome position (GRCh38, 1-based): chr12:32,878,101-32,878,106, TTCTCC deleted on the plus strand (GGAGAA on the coding strand, the reverse complement: PKP2 is on the minus strand); deleting any 6 consecutive bases within chr12:32,878,101-32,878,112 gives the same sequence; the position shown is the placement nearest the transcript's 3' end. VCF-style (leftmost placement, unchanged base first): chr12-32878100-GTTCTCC-G. GRCh37 (hg19) VCF-style: chr12-33031034-GTTCTCC-G.
Other names: c.768GGAGAA[1], p.Lys258_Glu259del (NM_001407155.1, NM_001407156.1, NM_001407157.1 and 2 more transcripts); c.441GGAGAA[1], p.Lys149_Glu150del (NM_001407158.1, NM_001407159.1, NM_001407160.1 and 1 more transcripts); c.774_779del (NM_004572.4).
Identifiers: ClinVar variation 4758433 (VCV004758433.1).